The following is an entry in ClinVar:

ClinVar aggregate classification (germline): Pathogenic/Likely pathogenic. Review status: criteria provided, multiple submitters, no conflicts (2 of 4 stars). 2 submissions from 2 submitters: Pathogenic (1); Likely pathogenic (1). Last evaluated 2025-09-24.

Conditions:
Oculocerebrofacial syndrome, Kaufman type. Also called: Blepharophimosis-ptosis-intellectual disability syndrome. Identifiers: Orphanet 2707, MedGen C1855663, MONDO:0009485, OMIM 244450.

Submissions (2):

Genesolutions, Medical Genetics Institutes, Ho Chi Minh City, Vietnam
Classification: Likely pathogenic for Oculocerebrofacial syndrome, Kaufman type. Last evaluated: 2025-09-24. Review status: criteria provided, single submitter. Criteria: ACMG Guidelines, 2015. Collection method: clinical testing. Allele origin: germline. Affected: yes.

Labcorp Genetics (formerly Invitae), Labcorp
Classification: Pathogenic. Last evaluated: 2023-12-19. Review status: criteria provided, single submitter. Criteria: Invitae Variant Classification Sherloc (09022015). Collection method: clinical testing. Allele origin: germline.
Comment: This sequence change creates a premature translational stop signal (p.Trp389Leufs*12) in the UBE3B gene. It is expected to result in an absent or disrupted protein product. Loss-of-function variants in UBE3B are known to be pathogenic (PMID: 23687348, 24615390). This variant is not present in population databases (gnomAD no frequency). This variant has not been reported in the literature in individuals affected with UBE3B-related conditions. For these reasons, this variant has been classified as Pathogenic.

Literature cited by the submitters: PubMed 23687348 (cited by Labcorp Genetics (formerly Invitae), Labcorp); PubMed 24615390 (cited by Labcorp Genetics (formerly Invitae), Labcorp).

NM_130466.4(UBE3B):c.1165dup (p.Trp389fs)

Gene: UBE3B (ubiquitin protein ligase E3B; plus strand). Cytogenetic location: 12q24.11.
Variant type: Duplication.
Coding change: c.1165dup on transcript NM_130466.4 (MANE Select); coding-DNA position 1165, one base duplicated (T; older notation c.1165dupT).
Protein change: p.Trp389fs; shifts the reading frame from tryptophan 389.
Molecular consequence: frameshift variant.
Genome position (GRCh38, 1-based): chr12:109,501,417, T duplicated. VCF-style (leftmost placement, unchanged base first): chr12-109501416-G-GT. GRCh37 (hg19) VCF-style: chr12-109939221-G-GT.
Other names: c.1165dup, p.Trp389fs (NM_183415.3); short protein forms W389fs.
Identifiers: ClinVar variation 2730456 (VCV002730456.4), dbSNP rs2548509011, ClinGen allele CA2697551526.